The following is an entry in ClinVar:

NM_000051.4(ATM):c.7980A>T (p.Glu2660Asp)

Genes: ATM (ATM serine/threonine kinase; plus strand), C11orf65 (chromosome 11 open reading frame 65; minus strand). Cytogenetic location: 11q22.3.
Variant type: single nucleotide variant.
Coding change: c.7980A>T on transcript NM_000051.4 (MANE Select); coding-DNA position 7980, A replaced by T.
Protein change: p.Glu2660Asp; replaces glutamic acid 2660 with aspartic acid.
Molecular consequence: missense variant. On other transcripts: intron variant (2).
Genome position (GRCh38, 1-based): chr11:108,333,938, A>T. VCF-style: chr11-108333938-A-T. GRCh37 (hg19) VCF-style: chr11-108204665-A-T.
Other names: c.7980A>T, p.Glu2660Asp (NM_001351834.2); c.641-24867T>A (NM_001330368.2); c.*38+1282T>A (NM_001351110.2); short protein forms E2660D.
Identifiers: ClinVar variation 453712 (VCV000453712.29), dbSNP rs1555126247, ClinGen allele CA382561758.

ClinVar aggregate classification (germline): Uncertain significance. Review status: criteria provided, multiple submitters, no conflicts (2 of 4 stars). 5 submissions from 5 submitters: Uncertain significance (4). 1 of the submissions does not count toward it. Last evaluated 2025-06-14.

Conditions:
Hereditary cancer-predisposing syndrome. Also called: Neoplastic Syndromes, Hereditary; Hereditary Cancer Syndrome; Tumor predisposition; Hereditary neoplastic syndrome. Identifiers: Orphanet 140162, MedGen C0027672, MeSH D009386, MONDO:0015356.
Familial cancer of breast. Also called: Hereditary breast cancer; BREAST CANCER, FAMILIAL; hereditary breast carcinoma. Identifiers: Orphanet 227535, MedGen C0346153, MONDO:0016419, OMIM 114480. Disease mechanism: loss of function.
Ataxia-telangiectasia syndrome (AT). Also called: LOUIS-BAR SYNDROME; Cerebello-oculocutaneous telangiectasia; Immunodeficiency with ataxia telangiectasia; Ataxia-telangiectasia, complementation group D; AT, COMPLEMENTATION GROUP C; Ataxia-telangiectasia, complementation group E. Identifiers: Orphanet 100, MedGen C0004135, MONDO:0008840, OMIM 208900.

Allele frequency attached by ClinVar (database versions not stated): gnomAD exomes below 0.00001.
gnomAD v4.1: 1 of 1,611,710 alleles (0.000062%); highest among the groups gnomAD compares: East Asian, 0.0022%; no homozygotes.

Submissions (5):

Labcorp Genetics (formerly Invitae), Labcorp
Classification: Uncertain significance for Ataxia-telangiectasia syndrome. Last evaluated: 2025-06-14. Review status: criteria provided, single submitter. Criteria: Invitae Variant Classification Sherloc (09022015). Collection method: clinical testing. Allele origin: germline.
Comment: This sequence change replaces glutamic acid, which is acidic and polar, with aspartic acid, which is acidic and polar, at codon 2660 of the ATM protein (p.Glu2660Asp). This variant is not present in population databases (gnomAD no frequency). This variant has not been reported in the literature in individuals affected with ATM-related conditions. ClinVar contains an entry for this variant (Variation ID: 453712). Invitae Evidence Modeling of protein sequence and biophysical properties (such as structural, functional, and spatial information, amino acid conservation, physicochemical variation, residue mobility, and thermodynamic stability) indicates that this missense variant is not expected to disrupt ATM protein function with a negative predictive value of 95%. Algorithms developed to predict the effect of sequence changes on RNA splicing suggest that this variant may disrupt the consensus splice site. In summary, the available evidence is currently insufficient to determine the role of this variant in disease. Therefore, it has been classified as a Variant of Uncertain Significance.

Ambry Genetics
Classification: Uncertain significance for Hereditary cancer-predisposing syndrome. Last evaluated: 2023-11-14. Review status: criteria provided, single submitter. Criteria: Ambry Variant Classification Scheme 2023. Collection method: clinical testing. Allele origin: germline.
Comment: The p.E2660D variant (also known as c.7980A>T), located in coding exon 53 of the ATM gene, results from an A to T substitution at nucleotide position 7980. The glutamic acid at codon 2660 is replaced by aspartic acid, an amino acid with highly similar properties. This amino acid position is not well conserved in available vertebrate species. In addition, this alteration is predicted to be tolerated by in silico analysis. Since supporting evidence is limited at this time, the clinical significance of this alteration remains unclear.

Baylor Genetics
Classification: Uncertain significance for Familial cancer of breast. Last evaluated: 2023-08-20. Review status: criteria provided, single submitter. Criteria: ACMG Guidelines, 2015. Collection method: clinical testing. Allele origin: unknown.

Color Diagnostics, LLC DBA Color Health
Classification: Uncertain significance for Hereditary cancer-predisposing syndrome. Last evaluated: 2023-05-17. Review status: criteria provided, single submitter. Criteria: ACMG Guidelines, 2015. Collection method: clinical testing. Allele origin: germline.
Comment: This missense variant replaces glutamic acid with aspartic acid at codon 2660 of the ATM protein. Computational prediction suggests that this variant may not impact protein structure and function (internally defined REVEL score threshold <= 0.5, PMID: 27666373). To our knowledge, functional studies have not been reported for this variant. This variant has not been reported in individuals affected with ATM-related disorders in the literature. This variant has not been identified in the general population by the Genome Aggregation Database (gnomAD). The available evidence is insufficient to determine the role of this variant in disease conclusively. Therefore, this variant is classified as a Variant of Uncertain Significance.

Natera, Inc.
Classification: Uncertain significance for Ataxia-telangiectasia. Last evaluated: 2021-01-27. Review status: no assertion criteria provided. Collection method: clinical testing. Allele origin: germline. Not counted in ClinVar's aggregate classification.